The following is an entry in ClinVar:

NM_001172303.3(MASTL):c.1147C>T (p.Arg383Cys)

Gene: MASTL (microtubule associated serine/threonine kinase like; plus strand). Cytogenetic location: 10p12.1.
Variant type: single nucleotide variant.
Coding change: c.1147C>T on transcript NM_001172303.3 (MANE Select); coding-DNA position 1147, C replaced by T.
Protein change: p.Arg383Cys; replaces arginine 383 with cysteine.
Molecular consequence: missense variant. On other transcripts: non-coding transcript variant (1).
Genome position (GRCh38, 1-based): chr10:27,170,106, C>T. VCF-style: chr10-27170106-C-T. GRCh37 (hg19) VCF-style: chr10-27459035-C-T.
Other names: c.1147C>T, p.Arg383Cys (NM_001172304.3, NM_001320756.2, NM_001320757.2 and 1 more transcripts); c.664C>T, p.Arg222Cys (NM_001372029.1, NM_001372030.1); short protein forms R222C, R383C.
Identifiers: ClinVar variation 878463 (VCV000878463.4), dbSNP rs117134003, ClinGen allele CA5450164.

ClinVar aggregate classification (germline): Benign (1 of 4 stars; one submission).

Conditions:
Thrombocytopenia. Identifiers: MedGen C0040034, MeSH D013921, MONDO:0002049, HP:0001873.

Allele frequency attached by ClinVar (database versions not stated): TOPMed 0.00005; 1000 Genomes Project 30x 0.00062; 1000 Genomes Project 0.00080.
gnomAD v4.1: 155 of 1,614,128 alleles (0.0096%); highest among the groups gnomAD compares: East Asian, 0.31%; 1 homozygote.

Submission:

Illumina Laboratory Services, Illumina
Classification: Benign for Thrombocytopenia. Last evaluated: 2018-01-12. Review status: criteria provided, single submitter. Criteria: ICSL Variant Classification Criteria 13 December 2019. Collection method: clinical testing. Allele origin: germline.
Comment: This variant was observed in the ICSL laboratory as part of a predisposition screen in an ostensibly healthy population. It had not been previously curated by ICSL or reported in the Human Gene Mutation Database (HGMD: prior to June 1st, 2018), and was therefore a candidate for classification through an automated scoring system. Utilizing variant allele frequency, disease prevalence and penetrance estimates, and inheritance mode, an automated score was calculated to assess if this variant is too frequent to cause the disease. Based on the score and internal cut-off values, a variant classified as benign is not then subjected to further curation. The score for this variant resulted in a classification of benign for this disease.